The following is an entry in ClinVar:

ClinVar aggregate classification (germline): Likely benign (1 of 4 stars; one submission).

Conditions:
ATP7A-related disorder. Also called: ATP7A-related condition.

Submission:

PreventionGenetics, part of Exact Sciences
Classification: Likely benign for ATP7A-related condition. Last evaluated: 2026-03-03. Review status: criteria provided, single submitter. Criteria: ACMG Guidelines, 2015. Collection method: clinical testing. Allele origin: germline.
Comment: This variant is classified as likely benign based on ACMG/AMP sequence variant interpretation guidelines (Richards et al. 2015 PMID: 25741868, with internal and published modifications).

NC_000023.11:g.77910297G>A

Gene: ATP7A (ATPase copper transporting alpha; plus strand). Cytogenetic location: Xq21.1.
Variant type: single nucleotide variant.
Genome position: GRCh38 VCF-style: chrX-77910297-G-A. GRCh37 (hg19) VCF-style: chrX-77165794-G-A.
Identifiers: ClinVar variation 5001256 (VCV005001256.1).